The following is an entry in ClinVar:

NM_133433.4(NIPBL):c.6679_6682del (p.Val2227fs)

Gene: NIPBL (NIPBL cohesin loading factor; plus strand). Cytogenetic location: 5p13.2.
Variant type: Deletion.
Coding change: c.6679_6682del on transcript NM_133433.4 (MANE Select); coding-DNA positions 6679 to 6682, 4 bases deleted (GTCA; older notation c.6679_6682delGTCA).
Protein change: p.Val2227fs; shifts the reading frame from valine 2227.
Molecular consequence: frameshift variant.
Genome position (GRCh38, 1-based): chr5:37,048,591-37,048,594, GTCA deleted; deleting any 4 consecutive bases within chr5:37,048,588-37,048,594 gives the same sequence; the c. name uses the placement nearest the transcript's 3' end. VCF-style (leftmost placement, unchanged base first): chr5-37048587-CTCAG-C. GRCh37 (hg19) VCF-style: chr5-37048689-CTCAG-C.
Other names: c.6679_6682del, p.Val2227fs (NM_015384.5); short protein forms V2227fs.
Identifiers: ClinVar variation 1435917 (VCV001435917.8), dbSNP rs2149737037, ClinGen allele CA2573139688.
Genomic context (GRCh38, chr5:37,048,587, plus strand): 5'-TCTAATGTTCGAGCAAGAAGTGAAGAATCTATATAATAATATTTTATCTGATAAGAACTC[CTCAG>C]TCAATTTAAAAATACAAGTGTTAAAAAACCTCCAGACCTACCTACAAGAAGAAGATACAC-3'

ClinVar aggregate classification (germline): Pathogenic. Review status: criteria provided, multiple submitters, no conflicts (2 of 4 stars). 2 submissions from 2 submitters: Pathogenic (2). Last evaluated 2021-11-02.

Conditions:
Inborn genetic diseases. Identifiers: MedGen C0950123, MeSH D030342.
Cornelia de Lange syndrome 1 (CDLS1). Also called: Brachmann de Lange syndrome; NIPBL-Related Cornelia de Lange Syndrome; TYPUS DEGENERATIVUS AMSTELODAMENSIS. Identifiers: Orphanet 199, MedGen C4551851, MONDO:0007387, OMIM 122470.

Submissions (2):

Labcorp Genetics (formerly Invitae), Labcorp
Classification: Pathogenic for Cornelia de Lange syndrome 1. Last evaluated: 2021-11-02. Review status: criteria provided, single submitter. Criteria: Invitae Variant Classification Sherloc (09022015). Collection method: clinical testing. Allele origin: germline.
Comment: For these reasons, this variant has been classified as Pathogenic. This variant has not been reported in the literature in individuals affected with NIPBL-related conditions. This variant is not present in population databases (gnomAD no frequency). This sequence change creates a premature translational stop signal (p.Val2227Ilefs*2) in the NIPBL gene. It is expected to result in an absent or disrupted protein product. Loss-of-function variants in NIPBL are known to be pathogenic (PMID: 15318302, 19763162, 23505322, 29995837).

Ambry Genetics
Classification: Pathogenic for Inborn genetic diseases. Last evaluated: 2017-08-11. Review status: criteria provided, single submitter. Criteria: Ambry Variant Classification Scheme 2023. Collection method: clinical testing. Allele origin: germline.
Comment: The c.6679_6682delGTCA pathogenic mutation, located in coding exon 38 of the NIPBL gene, results from a deletion of 4 nucleotides at nucleotide positions 6679 to 6682, causing a translational frameshift with a predicted alternate stop codon (p.V2227Ifs*2). This alteration is expected to result in loss of function by premature protein truncation or nonsense-mediated mRNA decay. As such, this alteration is interpreted as a disease-causing mutation.

Literature cited by the submitters: PubMed 15318302 (cited by Labcorp Genetics (formerly Invitae), Labcorp); PubMed 19763162 (cited by Labcorp Genetics (formerly Invitae), Labcorp); PubMed 23505322 (cited by Labcorp Genetics (formerly Invitae), Labcorp); PubMed 29995837 (cited by Labcorp Genetics (formerly Invitae), Labcorp).